The following is an entry in ClinVar:

ClinVar aggregate classification (germline): Uncertain significance (1 of 4 stars; one submission).

Conditions:
Bainbridge-Ropers syndrome. Also called: Severe feeding difficulties-failure to thrive-microcephaly due to ASXL3 deficiency syndrome. Identifiers: Orphanet 352577, MedGen C4750837, MONDO:0014205, OMIM 615485.

Allele frequency attached by ClinVar (database versions not stated): gnomAD exomes below 0.00001.
gnomAD v4.1: 1 of 1,613,742 alleles (0.000062%); highest among the groups gnomAD compares: Non-Finnish European, 0.000085%; no homozygotes.

Submission:

MGZ Medical Genetics Center
Classification: Uncertain significance for Bainbridge-Ropers syndrome. Last evaluated: 2022-05-04. Review status: criteria provided, single submitter. Criteria: ACMG Guidelines, 2015. Collection method: clinical testing. Allele origin: germline. Affected: yes. Observed: 1 variant allele.
Comment: ACMG criteria applied: PM2_SUP, BP4

NM_030632.3(ASXL3):c.1853C>T (p.Pro618Leu)

Gene: ASXL3 (ASXL transcriptional regulator 3; plus strand). Cytogenetic location: 18q12.1.
Variant type: single nucleotide variant.
Coding change: c.1853C>T on transcript NM_030632.3 (MANE Select); coding-DNA position 1853, C replaced by T.
Protein change: p.Pro618Leu; replaces proline 618 with leucine.
Molecular consequence: missense variant.
Genome position (GRCh38, 1-based): chr18:33,739,257, C>T. VCF-style: chr18-33739257-C-T. GRCh37 (hg19) VCF-style: chr18-31319221-C-T.
Other names: short protein forms P618L.
Identifiers: ClinVar variation 1709381 (VCV001709381.2), dbSNP rs1449158833, ClinGen allele CA402176593.
Genomic context (GRCh38, chr18:33,739,257, plus strand): 5'-CTGAAGAACAGCTTTCAGAAAATGCCTGCATCTCTGAAACGTCCTTTTCTTCTGAGAGCC[C>T]AGAGGGAGCCTGTACCAGCCTGCCTTCTCCAGGAGGGGAAACACAGTCCACATCAGAAGA-3'
Protein context (NP_085135.1, residues 608-628): ISETSFSSES[Pro618Leu]EGACTSLPSP